The following is an entry in ClinVar:

NM_001004127.3(ALG11):c.*193A>C

Genes: ALG11 (ALG11 alpha-1,2-mannosyltransferase; plus strand), UTP14C (UTP14C small subunit processome component; plus strand). Cytogenetic location: 13q14.3.
Variant type: single nucleotide variant.
Coding change: c.*193A>C on transcript NM_001004127.3 (MANE Select); 193 bases downstream of the stop codon, A replaced by C.
Molecular consequence: 3 prime UTR variant. On other transcripts: non-coding transcript variant (1), 5 prime UTR variant (1).
Genome position (GRCh38, 1-based): chr13:52,028,783, A>C. VCF-style: chr13-52028783-A-C. GRCh37 (hg19) VCF-style: chr13-52602919-A-C.
Other names: c.-22A>C (NM_021645.6).
Identifiers: ClinVar variation 312418 (VCV000312418.7), dbSNP rs3825528, ClinGen allele CA6990113.

ClinVar aggregate classification (germline): Benign. Review status: criteria provided, multiple submitters, no conflicts (2 of 4 stars). 3 submissions from 3 submitters: Benign (3). Last evaluated 2018-06-29.

Conditions:
ALG11-congenital disorder of glycosylation. Also called: CONGENITAL DISORDER OF GLYCOSYLATION, TYPE Ip; ALG11-CDG. Identifiers: Orphanet 280071, MedGen C3150913, MONDO:0013349, OMIM 613661.

Allele frequency attached by ClinVar (database versions not stated): 1000 Genomes Project 30x 0.36649; 1000 Genomes Project 0.36841; TOPMed 0.38715; gnomAD 0.40130 and 0.40388; ESP Exome Variant Server 0.40365; ExAC 0.44904; gnomAD exomes 0.45385.
gnomAD v4.1: 789,910 of 1,613,694 alleles (49%); highest among the groups gnomAD compares: Non-Finnish European, 52%; 200,025 homozygotes.

Submissions (3):

GeneDx
Classification: Benign. Last evaluated: 2018-06-29. Review status: criteria provided, single submitter. Criteria: GeneDx Variant Classification Process June 2021. Collection method: clinical testing. Allele origin: germline. Affected: yes.

Illumina Laboratory Services, Illumina
Classification: Benign for ALG11-congenital disorder of glycosylation. Last evaluated: 2018-01-13. Review status: criteria provided, single submitter. Criteria: ICSL Variant Classification Criteria 13 December 2019. Collection method: clinical testing. Allele origin: germline.
Comment: This variant was observed in the ICSL laboratory as part of a predisposition screen in an ostensibly healthy population. It had not been previously curated by ICSL or reported in the Human Gene Mutation Database (HGMD: prior to June 1st, 2018), and was therefore a candidate for classification through an automated scoring system. Utilizing variant allele frequency, disease prevalence and penetrance estimates, and inheritance mode, an automated score was calculated to assess if this variant is too frequent to cause the disease. Based on the score and internal cut-off values, a variant classified as benign is not then subjected to further curation. The score for this variant resulted in a classification of benign for this disease.

Breakthrough Genomics
Classification: Benign. Review status: criteria provided, single submitter. Criteria: ACMG Guidelines, 2015. Collection method: not provided. Allele origin: germline. Inheritance: Autosomal recessive inheritance. Affected: yes.